The following is an entry in ClinVar:

NM_002439.5(MSH3):c.2768C>G (p.Pro923Arg)

Gene: MSH3 (mutS homolog 3; plus strand). Cytogenetic location: 5q14.1.
Variant type: single nucleotide variant.
Coding change: c.2768C>G on transcript NM_002439.5 (MANE Select); coding-DNA position 2768, C replaced by G.
Protein change: p.Pro923Arg; replaces proline 923 with arginine.
Molecular consequence: missense variant.
Genome position (GRCh38, 1-based): chr5:80,813,696, C>G. VCF-style: chr5-80813696-C-G. GRCh37 (hg19) VCF-style: chr5-80109515-C-G.
Other names: short protein forms P923R.
Identifiers: ClinVar variation 2451040 (VCV002451040.2), dbSNP rs2546797414, ClinGen allele CA360274037.
Genomic context (GRCh38, chr5:80,813,696, plus strand): 5'-GCTCCTACATAAAACAAGTTGCATTGATTACCATCATGGCTCAGATTGGCTCCTATGTTC[C>G]TGCAGAAGAAGCGACAATTGGGATTGTGGATGGCATTTTCACAAGGTAAGTACGTTAATT-3'
Protein context (NP_002430.3, residues 913-933): TIMAQIGSYV[Pro923Arg]AEEATIGIVD

ClinVar aggregate classification (germline): Uncertain significance (1 of 4 stars; one submission).

Conditions:
Hereditary cancer-predisposing syndrome. Also called: Neoplastic Syndromes, Hereditary; Tumor predisposition; Hereditary neoplastic syndrome; Hereditary Cancer Syndrome. Identifiers: Orphanet 140162, MedGen C0027672, MeSH D009386, MONDO:0015356.

Submission:

Ambry Genetics
Classification: Uncertain significance for Hereditary cancer-predisposing syndrome. Last evaluated: 2022-11-10. Review status: criteria provided, single submitter. Criteria: Ambry Variant Classification Scheme 2023. Collection method: clinical testing. Allele origin: germline.
Comment: The p.P923R variant (also known as c.2768C>G), located in coding exon 20 of the MSH3 gene, results from a C to G substitution at nucleotide position 2768. The proline at codon 923 is replaced by arginine, an amino acid with dissimilar properties. This amino acid position is conserved. In addition, this alteration is predicted to be deleterious by in silico analysis. Since supporting evidence is limited at this time, the clinical significance of this alteration remains unclear.